The following is an entry in ClinVar:

NM_000360.4(TH):c.1032C>G (p.Phe344Leu)

Gene: TH (tyrosine hydroxylase; minus strand). Cytogenetic location: 11p15.5.
Variant type: single nucleotide variant.
Coding change: c.1032C>G on transcript NM_000360.4 (MANE Select); coding-DNA position 1032, C replaced by G.
Protein change: p.Phe344Leu; replaces phenylalanine 344 with leucine.
Molecular consequence: missense variant.
Genome position (GRCh38, 1-based): chr11:2,166,495, G>C on the plus strand (C>G on the coding strand, the complement: TH is on the minus strand). VCF-style: chr11-2166495-G-C. GRCh37 (hg19) VCF-style: chr11-2187725-G-C.
Other names: c.1125C>G (NM_199292.2); c.1125C>G, p.Phe375Leu (NM_199292.3); c.1113C>G, p.Phe371Leu (NM_199293.3); short protein forms F344L, F371L, F375L.
Identifiers: ClinVar variation 1913004 (VCV001913004.19), dbSNP rs763198914, ClinGen allele CA379125954.

ClinVar aggregate classification (germline): Likely pathogenic. Review status: criteria provided, multiple submitters, no conflicts (2 of 4 stars). 4 submissions from 4 submitters: Likely pathogenic (4). Last evaluated 2025-11-03.

Conditions:
TH-deficient dopa-responsive dystonia. Also called: Tyrosine Hydroxylase-Deficient Dopa-Responsive Dystonia; Segawa syndrome, autosomal recessive; DYT-TH. Identifiers: Orphanet 101150, MedGen C2673535, MONDO:0011551, OMIM 605407.

gnomAD v4.1: 1 of 1,593,848 alleles (0.000063%); highest among the groups gnomAD compares: Admixed American, 0.0017%; no homozygotes.

Submissions (4):

Labcorp Genetics (formerly Invitae), Labcorp
Classification: Likely pathogenic for TH-deficient dopa-responsive dystonia. Last evaluated: 2025-11-03. Review status: criteria provided, single submitter. Criteria: Invitae Variant Classification Sherloc (09022015). Collection method: clinical testing. Allele origin: germline.
Comment: This sequence change replaces phenylalanine, which is neutral and non-polar, with leucine, which is neutral and non-polar, at codon 375 of the TH protein (p.Phe375Leu). This variant is present in population databases (no rsID available, gnomAD 0.003%). This missense change has been observed in individuals with TH-related conditions (PMID: 19224593; internal data). ClinVar contains an entry for this variant (Variation ID: 1913004). Invitae Evidence Modeling of protein sequence and biophysical properties (such as structural, functional, and spatial information, amino acid conservation, physicochemical variation, residue mobility, and thermodynamic stability) has been performed for this missense variant. However, the output from this modeling did not meet the statistical confidence thresholds required to predict the impact of this variant on TH protein function. Experimental studies have shown that this missense change affects TH function (PMID: 24753243). In summary, the currently available evidence indicates that the variant is pathogenic, but additional data are needed to prove that conclusively. Therefore, this variant has been classified as Likely Pathogenic.

CeGaT Center for Human Genetics Tuebingen
Classification: Likely pathogenic. Last evaluated: 2024-10-01. Review status: criteria provided, single submitter. Criteria: CeGaT Center For Human Genetics Tuebingen Variant Classification Criteria Version 2. Collection method: clinical testing. Allele origin: germline. Affected: yes. Observed: 1 variant allele.
Comment: TH: PM2, PM3, PS3:Moderate

Fulgent Genetics
Classification: Likely pathogenic for TH-deficient dopa-responsive dystonia. Last evaluated: 2024-06-13. Review status: criteria provided, single submitter. Criteria: ACMG Guidelines, 2015. Collection method: clinical testing. Allele origin: germline.

Women's Health and Genetics/Laboratory Corporation of America, LabCorp
Classification: Likely pathogenic for TH-deficient dopa-responsive dystonia. Last evaluated: 2023-04-04. Review status: criteria provided, single submitter. Criteria: LabCorp Variant Classification Summary - May 2015. Collection method: clinical testing. Allele origin: germline.
Comment: Variant summary: TH c.1125C>G (p.Phe375Leu) results in a non-conservative amino acid change located in the catalytic domain (Clot_2009) of the encoded protein sequence. Four of five in-silico tools predict a damaging effect of the variant on protein function. The variant allele was found at a frequency of 4.7e-06 in 210876 control chromosomes (gnomAD). c.1125C>G has been reported in the literature in the compound heterozygous state in an individual affected with dopa-responsive dystonia (autosomal recessive Segawa Syndrome) (Doummar_2009, Clot_2009). This report does not provide unequivocal conclusions about association of the variant with Segawa Syndrome. At least one publication reports experimental evidence evaluating an impact on protein function and found that the variant results in approximately 10% of WT activity (Fossbakk_2014). One clinical diagnostic laboratory has submitted a clinical-significance assessment for this variant to ClinVar after 2014 and classified the variant as uncertain significance. Based on the evidence outlined above, the variant was classified as likely pathogenic.

Literature cited by the submitters: PubMed 19224593 (cited by Labcorp Genetics (formerly Invitae), Labcorp and Women's Health and Genetics/Laboratory Corporation of America, LabCorp); PubMed 24753243 (cited by Labcorp Genetics (formerly Invitae), Labcorp and Women's Health and Genetics/Laboratory Corporation of America, LabCorp); PubMed 19491146 (cited by Women's Health and Genetics/Laboratory Corporation of America, LabCorp).